The following is an entry in ClinVar:

NM_001372.4(DNAH9):c.6235A>G (p.Ile2079Val)

Gene: DNAH9 (dynein axonemal heavy chain 9; plus strand). Cytogenetic location: 17p12.
Variant type: single nucleotide variant.
Coding change: c.6235A>G on transcript NM_001372.4 (MANE Select); coding-DNA position 6235, A replaced by G.
Protein change: p.Ile2079Val; replaces isoleucine 2079 with valine.
Molecular consequence: missense variant.
Genome position (GRCh38, 1-based): chr17:11,744,920, A>G. VCF-style: chr17-11744920-A-G. GRCh37 (hg19) VCF-style: chr17-11648237-A-G.
Other names: short protein forms I2079V.
Identifiers: ClinVar variation 2041517 (VCV002041517.5), dbSNP rs199667533, ClinGen allele CA8396252.

ClinVar aggregate classification (germline): Uncertain significance. Review status: criteria provided, multiple submitters, no conflicts (2 of 4 stars). 3 submissions from 3 submitters: Uncertain significance (2). 1 of the submissions does not count toward it. Last evaluated 2026-01-17.

Conditions:
DNAH9-related disorder. Also called: DNAH9-related condition.
Inborn genetic diseases. Identifiers: MedGen C0950123, MeSH D030342.

Allele frequency attached by ClinVar (database versions not stated): TOPMed 0.00022; gnomAD exomes 0.00024; gnomAD 0.00027; ExAC 0.00030; ESP Exome Variant Server 0.00038.
gnomAD v4.1: 382 of 1,614,030 alleles (0.024%); highest among the groups gnomAD compares: Middle Eastern, 0.12%; no homozygotes.

Submissions (3):

Labcorp Genetics (formerly Invitae), Labcorp
Classification: Uncertain significance. Last evaluated: 2026-01-17. Review status: criteria provided, single submitter. Criteria: Invitae Variant Classification Sherloc (09022015). Collection method: clinical testing. Allele origin: germline.
Comment: This sequence change replaces isoleucine, which is neutral and non-polar, with valine, which is neutral and non-polar, at codon 2079 of the DNAH9 protein (p.Ile2079Val). This variant is present in population databases (rs199667533, gnomAD 0.04%). This variant has not been reported in the literature in individuals affected with DNAH9-related conditions. ClinVar contains an entry for this variant (Variation ID: 2041517). Invitae Evidence Modeling of protein sequence and biophysical properties (such as structural, functional, and spatial information, amino acid conservation, physicochemical variation, residue mobility, and thermodynamic stability) indicates that this missense variant is not expected to disrupt DNAH9 protein function with a negative predictive value of 80%. In summary, the available evidence is currently insufficient to determine the role of this variant in disease. Therefore, it has been classified as a Variant of Uncertain Significance.

Ambry Genetics
Classification: Uncertain significance for Inborn genetic diseases. Last evaluated: 2025-01-21. Review status: criteria provided, single submitter. Criteria: Ambry Variant Classification Scheme 2023. Collection method: clinical testing. Allele origin: germline.

PreventionGenetics, part of Exact Sciences
Classification: Uncertain significance for DNAH9-related condition. Last evaluated: 2024-06-12. Review status: no assertion criteria provided. Collection method: clinical testing. Allele origin: germline. Not counted in ClinVar's aggregate classification.
Comment: The DNAH9 c.6235A>G variant is predicted to result in the amino acid substitution p.Ile2079Val. To our knowledge, this variant has not been reported in the literature. This variant is reported in 0.042% of alleles in individuals of European (Non-Finnish) descent in gnomAD. At this time, the clinical significance of this variant is uncertain due to the absence of conclusive functional and genetic evidence.